The following is an entry in ClinVar:

ClinVar aggregate classification (germline): Uncertain significance (1 of 4 stars; one submission).

Conditions:
Mowat-Wilson syndrome (MOWS). Also called: Classic Mowat-Wilson Syndrome. Identifiers: Orphanet 2152, MedGen C1856113, MONDO:0009341, OMIM 235730.

Allele frequency attached by ClinVar (database versions not stated): gnomAD exomes below 0.00001; TOPMed below 0.00001.
gnomAD v4.1: 1 of 1,614,028 alleles (0.000062%); highest among the groups gnomAD compares: Admixed American, 0.0017%; no homozygotes.

Submission:

Labcorp Genetics (formerly Invitae), Labcorp
Classification: Uncertain significance for Mowat-Wilson syndrome. Last evaluated: 2025-08-09. Review status: criteria provided, single submitter. Criteria: Invitae Variant Classification Sherloc (09022015). Collection method: clinical testing. Allele origin: germline.
Comment: This sequence change replaces alanine, which is neutral and non-polar, with threonine, which is neutral and polar, at codon 897 of the ZEB2 protein (p.Ala897Thr). This variant is not present in population databases (gnomAD no frequency). This variant has not been reported in the literature in individuals affected with ZEB2-related conditions. ClinVar contains an entry for this variant (Variation ID: 2817602). Invitae Evidence Modeling of protein sequence and biophysical properties (such as structural, functional, and spatial information, amino acid conservation, physicochemical variation, residue mobility, and thermodynamic stability) indicates that this missense variant is not expected to disrupt ZEB2 protein function with a negative predictive value of 80%. In summary, the available evidence is currently insufficient to determine the role of this variant in disease. Therefore, it has been classified as a Variant of Uncertain Significance.

NM_014795.4(ZEB2):c.2689G>A (p.Ala897Thr)

Gene: ZEB2 (zinc finger E-box binding homeobox 2; minus strand). Cytogenetic location: 2q22.3.
Variant type: single nucleotide variant.
Coding change: c.2689G>A on transcript NM_014795.4 (MANE Select); coding-DNA position 2689, G replaced by A.
Protein change: p.Ala897Thr; replaces alanine 897 with threonine.
Molecular consequence: missense variant.
Genome position (GRCh38, 1-based): chr2:144,398,498, C>T on the plus strand (G>A on the coding strand, the complement: ZEB2 is on the minus strand). VCF-style: chr2-144398498-C-T. GRCh37 (hg19) VCF-style: chr2-145156065-C-T.
Other names: c.2617G>A, p.Ala873Thr (NM_001171653.2); short protein forms A873T, A897T.
Identifiers: ClinVar variation 2817602 (VCV002817602.3), dbSNP rs1703260678, ClinGen allele CA348707380.